The following is an entry in ClinVar:

ClinVar aggregate classification (germline): Uncertain significance (1 of 4 stars; one submission).

Conditions:
Neurofibromatosis, type 1 (NF1). Also called: Neurofibromatosis, type I; VON RECKLINGHAUSEN DISEASE; Peripheral type neurofibromatosis; NEUROFIBROMATOSIS, TYPE I, SOMATIC. Identifiers: Orphanet 636, MedGen C0027831, MONDO:0018975, OMIM 162200. Disease mechanism: loss of function.

Submission:

Labcorp Genetics (formerly Invitae), Labcorp
Classification: Uncertain significance for Neurofibromatosis, type 1. Last evaluated: 2019-12-25. Review status: criteria provided, single submitter. Criteria: Invitae Variant Classification Sherloc (09022015). Collection method: clinical testing. Allele origin: germline.
Comment: In summary, the available evidence is currently insufficient to determine the role of this variant in disease. Therefore, it has been classified as a Variant of Uncertain Significance. Algorithms developed to predict the effect of missense changes on protein structure and function are either unavailable or do not agree on the potential impact of this missense change (SIFT: "Deleterious"; PolyPhen-2: "Probably Damaging"; Align-GVGD: "Class C0"). This variant has not been reported in the literature in individuals with NF1-related conditions. This variant is not present in population databases (ExAC no frequency). This sequence change replaces leucine with phenylalanine at codon 87 of the NF1 protein (p.Leu87Phe). The leucine residue is highly conserved and there is a small physicochemical difference between leucine and phenylalanine.

NM_001042492.3(NF1):c.261G>C (p.Leu87Phe)

Gene: NF1 (neurofibromin 1; plus strand). Cytogenetic location: 17q11.2.
Variant type: single nucleotide variant.
Coding change: c.261G>C on transcript NM_001042492.3 (MANE Select); coding-DNA position 261, G replaced by C.
Protein change: p.Leu87Phe; replaces leucine 87 with phenylalanine.
Molecular consequence: missense variant.
Genome position (GRCh38, 1-based): chr17:31,159,066, G>C. VCF-style: chr17-31159066-G-C. GRCh37 (hg19) VCF-style: chr17-29486084-G-C.
Other names: c.261G>C, p.Leu87Phe (NM_000267.4, NM_001128147.3); short protein forms L87F.
Identifiers: ClinVar variation 859254 (VCV000859254.8), dbSNP rs876658691, ClinGen allele CA398989728.